The following is an entry in ClinVar:

ClinVar aggregate classification (germline): Uncertain significance (1 of 4 stars; one submission).

Conditions:
Common variable immunodeficiency (CVID). Also called: Common variable hypogamma-globulinemia; Common variable agammaglobulinemia. Identifiers: Orphanet 1572, MedGen C0009447, MONDO:0015517.

Submission:

Labcorp Genetics (formerly Invitae), Labcorp
Classification: Uncertain significance for Common variable immunodeficiency. Last evaluated: 2020-12-26. Review status: criteria provided, single submitter. Criteria: Invitae Variant Classification Sherloc (09022015). Collection method: clinical testing. Allele origin: germline.
Comment: In summary, the available evidence is currently insufficient to determine the role of this variant in disease. Therefore, it has been classified as a Variant of Uncertain Significance. Experimental studies and prediction algorithms are not available or were not evaluated, and the functional significance of this variant is currently unknown. This variant has not been reported in the literature in individuals with TNFSF12-related conditions. This variant is not present in population databases (ExAC no frequency). This sequence change creates a premature translational stop signal (p.Trp133*) in the TNFSF12 gene. It is expected to result in an absent or disrupted protein product. However, the current clinical and genetic evidence is not sufficient to establish whether loss-of-function variants in TNFSF12 cause disease.

NM_003809.3(TNFSF12):c.398G>A (p.Trp133Ter)

Genes: TNFSF12 (TNF superfamily member 12; plus strand), TNFSF12-TNFSF13 (TNFSF12-TNFSF13 readthrough; plus strand). Cytogenetic location: 17p13.1.
Variant type: single nucleotide variant.
Coding change: c.398G>A on transcript NM_003809.3 (MANE Select); coding-DNA position 398, G replaced by A.
Protein change: p.Trp133Ter; replaces tryptophan 133 with a stop codon.
Molecular consequence: nonsense. On other transcripts: non-coding transcript variant (1).
Genome position (GRCh38, 1-based): chr17:7,556,802, G>A. VCF-style: chr17-7556802-G-A. GRCh37 (hg19) VCF-style: chr17-7460119-G-A.
Other names: c.398G>A, p.Trp133Ter (NM_172089.4); short protein forms W133*.
Identifiers: ClinVar variation 1360313 (VCV001360313.6), dbSNP rs2150909054, ClinGen allele CA397860575.